The following is an entry in ClinVar:

ClinVar aggregate classification (germline): Pathogenic (1 of 4 stars; one submission).

Conditions:
Episodic kinesigenic dyskinesia (EKD). Also called: Paroxysmal kinesigenic dyskinesia. Identifiers: Orphanet 98809, MedGen C1868682, MONDO:0044202.

Submission:

Labcorp Genetics (formerly Invitae), Labcorp
Classification: Pathogenic for Episodic kinesigenic dyskinesia. Last evaluated: 2024-07-16. Review status: criteria provided, single submitter. Criteria: Invitae Variant Classification Sherloc (09022015). Collection method: clinical testing. Allele origin: germline.
Comment: This sequence change creates a premature translational stop signal (p.Gln163Leufs*15) in the PRRT2 gene. It is expected to result in an absent or disrupted protein product. Loss-of-function variants in PRRT2 are known to be pathogenic (PMID: 22623405, 22744660). This variant is not present in population databases (gnomAD no frequency). This variant has not been reported in the literature in individuals affected with PRRT2-related conditions. For these reasons, this variant has been classified as Pathogenic.

Literature cited by the submitters: PubMed 22623405; PubMed 22744660.

NM_145239.3(PRRT2):c.483_487dup (p.Gln163fs)

Genes: MVP-DT (MVP divergent transcript; minus strand), PRRT2 (proline rich transmembrane protein 2; plus strand). Cytogenetic location: 16p11.2.
Variant type: Duplication.
Coding change: c.483_487dup on transcript NM_145239.3 (MANE Select); coding-DNA positions 483 to 487, 5 bases duplicated (TACCC; older notation c.483_487dupTACCC).
Protein change: p.Gln163fs; shifts the reading frame from glutamine 163.
Molecular consequence: frameshift variant.
Genome position (GRCh38, 1-based): chr16:29,813,537-29,813,541, TACCC duplicated; duplicating any 5 consecutive bases within chr16:29,813,534-29,813,541 gives the same sequence; the c. name uses the placement nearest the transcript's 3' end. VCF-style (leftmost placement, unchanged base first): chr16-29813533-T-TCCCTA. GRCh37 (hg19) VCF-style: chr16-29824854-T-TCCCTA.
Other names: c.483_487dup, p.Gln163fs (NM_001256442.2, NM_001256443.2); short protein forms Q163fs.
Identifiers: ClinVar variation 2702193 (VCV002702193.3), dbSNP rs2543333841, ClinGen allele CA2697555752.